The following is an entry in ClinVar:

ClinVar aggregate classification (germline): Uncertain significance. Review status: criteria provided, multiple submitters, no conflicts (2 of 4 stars). 2 submissions from 2 submitters: Uncertain significance (2). Last evaluated 2024-10-23.

Conditions:
Malignant hyperthermia, susceptibility to, 5 (MHS5). Also called: CACNA1S-Related Malignant Hyperthermia Susceptibility. Identifiers: Orphanet 423, MedGen C1866077, MONDO:0011163, OMIM 601887.
Hypokalemic periodic paralysis, type 1. Also called: HypoPP; Hypokalemic Periodic Paralysis Type 1 (AD). Identifiers: Orphanet 681, MedGen C3714580, MONDO:0042979, OMIM 170400.

gnomAD v4.1: 1 of 1,614,208 alleles (0.000062%); no homozygotes.

Submissions (2):

Labcorp Genetics (formerly Invitae), Labcorp
Classification: Uncertain significance for Hypokalemic periodic paralysis, type 1; Malignant hyperthermia, susceptibility to, 5. Last evaluated: 2024-10-23. Review status: criteria provided, single submitter. Criteria: Invitae Variant Classification Sherloc (09022015). Collection method: clinical testing. Allele origin: germline.
Comment: This sequence change replaces serine, which is neutral and polar, with glycine, which is neutral and non-polar, at codon 120 of the CACNA1S protein (p.Ser120Gly). This variant is not present in population databases (gnomAD no frequency). This variant has not been reported in the literature in individuals affected with CACNA1S-related conditions. Invitae Evidence Modeling of protein sequence and biophysical properties (such as structural, functional, and spatial information, amino acid conservation, physicochemical variation, residue mobility, and thermodynamic stability) indicates that this missense variant is not expected to disrupt CACNA1S protein function with a negative predictive value of 95%. In summary, the available evidence is currently insufficient to determine the role of this variant in disease. Therefore, it has been classified as a Variant of Uncertain Significance.

Color Diagnostics, LLC DBA Color Health
Classification: Uncertain significance for Malignant hyperthermia, susceptibility to, 5. Last evaluated: 2023-08-23. Review status: criteria provided, single submitter. Criteria: ACMG Guidelines, 2015. Collection method: clinical testing. Allele origin: germline.
Comment: This missense variant replaces serine with glycine at codon 120 of the CACNA1S protein. Computational prediction is inconclusive regarding the impact of this variant on protein structure and function (internally defined REVEL score threshold 0.5 < inconclusive < 0.7, PMID: 27666373). To our knowledge, functional studies have not been reported for this variant. This variant has not been reported in individuals affected with CACNA1S-related disorders in the literature. This variant has not been identified in the general population by the Genome Aggregation Database (gnomAD). The available evidence is insufficient to determine the role of this variant in disease conclusively. Therefore, this variant is classified as a Variant of Uncertain Significance.

NM_000069.3(CACNA1S):c.358A>G (p.Ser120Gly)

Gene: CACNA1S (calcium voltage-gated channel subunit alpha1 S; minus strand). Cytogenetic location: 1q32.1.
Variant type: single nucleotide variant.
Coding change: c.358A>G on transcript NM_000069.3 (MANE Select); coding-DNA position 358, A replaced by G.
Protein change: p.Ser120Gly; replaces serine 120 with glycine.
Molecular consequence: missense variant.
Genome position (GRCh38, 1-based): chr1:201,093,922, T>C on the plus strand (A>G on the coding strand, the complement: CACNA1S is on the minus strand). VCF-style: chr1-201093922-T-C. GRCh37 (hg19) VCF-style: chr1-201063050-T-C.
Other names: short protein forms S120G.
Identifiers: ClinVar variation 3752834 (VCV003752834.3).